The following is an entry in ClinVar:

ClinVar aggregate classification (germline): Pathogenic (1 of 4 stars; one submission).

Submission:

Labcorp Genetics (formerly Invitae), Labcorp
Classification: Pathogenic. Last evaluated: 2020-12-06. Review status: criteria provided, single submitter. Criteria: Invitae Variant Classification Sherloc (09022015). Collection method: clinical testing. Allele origin: germline.
Comment: This sequence change creates a premature translational stop signal (p.Leu328Profs*18) in the SLC39A4 gene. It is expected to result in an absent or disrupted protein product. Loss-of-function variants in SLC39A4 are known to be pathogenic (PMID: 12955721). For these reasons, this variant has been classified as Pathogenic. This variant has not been reported in the literature in individuals with SLC39A4-related conditions. This variant is not present in population databases (ExAC no frequency).

Literature cited by the submitters: PubMed 12955721.

NM_130849.4(SLC39A4):c.983_992del (p.Leu328fs)

Gene: SLC39A4 (solute carrier family 39 member 4; minus strand). Cytogenetic location: 8q24.3.
Variant type: Deletion.
Coding change: c.983_992del on transcript NM_130849.4 (MANE Select); coding-DNA positions 983 to 992, 10 bases deleted (TGTACGGCTC; older notation c.983_992delTGTACGGCTC).
Protein change: p.Leu328fs; shifts the reading frame from leucine 328.
Molecular consequence: frameshift variant.
Genome position (GRCh38, 1-based): chr8:144,414,419-144,414,428, GAGCCGTACA deleted on the plus strand (TGTACGGCTC on the coding strand, the reverse complement: SLC39A4 is on the minus strand); deleting any 10 consecutive bases within chr8:144,414,419-144,414,430 gives the same sequence; the c. name uses the placement nearest the transcript's 3' end. VCF-style (leftmost placement, unchanged base first): chr8-144414418-GGAGCCGTACA-G. GRCh37 (hg19) VCF-style: chr8-145639802-GGAGCCGTACA-G.
Other names: c.701_710del, p.Leu234fs (NM_001374839.1); c.908_917del, p.Leu303fs (NM_017767.3); short protein forms L303fs, L234fs, L328fs.
Identifiers: ClinVar variation 1458442 (VCV001458442.6), dbSNP rs2130798065, ClinGen allele CA2573143010.